The following is an entry in ClinVar:

ClinVar aggregate classification (germline): Uncertain significance (1 of 4 stars; one submission).

Allele frequency attached by ClinVar (database versions not stated): TOPMed below 0.00001; gnomAD 0.00001; gnomAD exomes 0.00001 and 0.00002.
gnomAD v4.1: 23 of 1,551,626 alleles (0.0015%); highest among the groups gnomAD compares: Non-Finnish European, 0.002%; no homozygotes.

Submission:

Labcorp Genetics (formerly Invitae), Labcorp
Classification: Uncertain significance. Last evaluated: 2022-07-05. Review status: criteria provided, single submitter. Criteria: Invitae Variant Classification Sherloc (09022015). Collection method: clinical testing. Allele origin: germline.
Comment: This sequence change replaces alanine, which is neutral and non-polar, with valine, which is neutral and non-polar, at codon 38 of the KPNA7 protein (p.Ala38Val). This variant is present in population databases (no rsID available, gnomAD 0.002%). This variant has not been reported in the literature in individuals affected with KPNA7-related conditions. ClinVar contains an entry for this variant (Variation ID: 1057723). Algorithms developed to predict the effect of missense changes on protein structure and function (SIFT, PolyPhen-2, Align-GVGD) all suggest that this variant is likely to be tolerated. Algorithms developed to predict the effect of sequence changes on RNA splicing suggest that this variant may create or strengthen a splice site. In summary, the available evidence is currently insufficient to determine the role of this variant in disease. Therefore, it has been classified as a Variant of Uncertain Significance.

NM_001145715.3(KPNA7):c.113C>T (p.Ala38Val)

Gene: KPNA7 (karyopherin subunit alpha 7; minus strand). Cytogenetic location: 7q22.1.
Variant type: single nucleotide variant.
Coding change: c.113C>T on transcript NM_001145715.3 (MANE Select); coding-DNA position 113, C replaced by T.
Protein change: p.Ala38Val; replaces alanine 38 with valine.
Molecular consequence: missense variant.
Genome position (GRCh38, 1-based): chr7:99,203,194, G>A on the plus strand (C>T on the coding strand, the complement: KPNA7 is on the minus strand). VCF-style: chr7-99203194-G-A. GRCh37 (hg19) VCF-style: chr7-98800817-G-A.
Other names: short protein forms A38V.
Identifiers: ClinVar variation 1057723 (VCV001057723.6), dbSNP rs1174171343, ClinGen allele CA368421291.